The following is an entry in ClinVar:

NM_000121.4(EPOR):c.999C>A (p.Val333=)

Gene: EPOR (erythropoietin receptor; minus strand). Cytogenetic location: 19p13.2.
Variant type: single nucleotide variant.
Coding change: c.999C>A on transcript NM_000121.4 (MANE Select); coding-DNA position 999, C replaced by A.
Protein change: p.Val333=; no amino-acid change (valine 333 retained).
Molecular consequence: synonymous variant. On other transcripts: non-coding transcript variant (1).
Genome position (GRCh38, 1-based): chr19:11,378,512, G>T on the plus strand (C>A on the coding strand, the complement: EPOR is on the minus strand). VCF-style: chr19-11378512-G-T. GRCh37 (hg19) VCF-style: chr19-11489188-G-T.
Identifiers: ClinVar variation 2649327 (VCV002649327.24), dbSNP rs780132743, ClinGen allele CA9210592.

ClinVar aggregate classification (germline): Likely benign (1 of 4 stars; one submission).

Allele frequency attached by ClinVar (database versions not stated): TOPMed 0.00002; gnomAD 0.00003; ExAC 0.00004; gnomAD exomes 0.00004.
gnomAD v4.1: 64 of 1,614,100 alleles (0.004%); highest among the groups gnomAD compares: South Asian, 0.037%; no homozygotes.

Submission:

CeGaT Center for Human Genetics Tuebingen
Classification: Likely benign. Last evaluated: 2025-09-01. Review status: criteria provided, single submitter. Criteria: CeGaT Center For Human Genetics Tuebingen Variant Classification Criteria Version 2. Collection method: clinical testing. Allele origin: germline. Affected: yes. Observed: 2 variant alleles.
Comment: EPOR: BP4, BP7